The following is an entry in ClinVar:

ClinVar aggregate classification (germline): Conflicting classifications of pathogenicity. Review status: criteria provided, conflicting classifications (1 of 4 stars). 2 submissions from 2 submitters: Uncertain significance (1); Likely benign (1). Last evaluated 2024-04-22.

Conditions:
Inborn genetic diseases. Identifiers: MedGen C0950123, MeSH D030342.

Allele frequency attached by ClinVar (database versions not stated): gnomAD 0.00001 and 0.00002; ExAC 0.00002; gnomAD exomes 0.00002 and 0.00003; TOPMed 0.00002; 1000 Genomes Project 0.00020; 1000 Genomes Project 30x 0.00031.
gnomAD v4.1: 32 of 1,600,876 alleles (0.002%); highest among the groups gnomAD compares: Admixed American, 0.012%; no homozygotes.

Submissions (2):

Ambry Genetics
Classification: Likely benign for Inborn genetic diseases. Last evaluated: 2024-04-22. Review status: criteria provided, single submitter. Criteria: Ambry Variant Classification Scheme 2023. Collection method: clinical testing. Allele origin: germline.

Labcorp Genetics (formerly Invitae), Labcorp
Classification: Uncertain significance. Last evaluated: 2022-02-26. Review status: criteria provided, single submitter. Criteria: Invitae Variant Classification Sherloc (09022015). Collection method: clinical testing. Allele origin: germline.
Comment: This sequence change affects codon 54 of the PNPT1 mRNA. It is a 'silent' change, meaning that it does not change the encoded amino acid sequence of the PNPT1 protein. It affects a nucleotide within the consensus splice site. This variant is present in population databases (rs571532949, gnomAD 0.02%). This variant has not been reported in the literature in individuals affected with PNPT1-related conditions. Algorithms developed to predict the effect of sequence changes on RNA splicing suggest that this variant is not likely to affect RNA splicing. In summary, the available evidence is currently insufficient to determine the role of this variant in disease. Therefore, it has been classified as a Variant of Uncertain Significance.

NM_033109.5(PNPT1):c.162G>A (p.Arg54=)

Gene: PNPT1 (polyribonucleotide nucleotidyltransferase 1; minus strand). Cytogenetic location: 2p16.1.
Variant type: single nucleotide variant.
Coding change: c.162G>A on transcript NM_033109.5 (MANE Select); coding-DNA position 162, G replaced by A.
Protein change: p.Arg54=; no amino-acid change (arginine 54 retained).
Molecular consequence: synonymous variant.
Genome position (GRCh38, 1-based): chr2:55,687,705, C>T on the plus strand (G>A on the coding strand, the complement: PNPT1 is on the minus strand). VCF-style: chr2-55687705-C-T. GRCh37 (hg19) VCF-style: chr2-55914840-C-T.
Other names: c.162G>A (NM_033109.3).
Identifiers: ClinVar variation 1433568 (VCV001433568.6), dbSNP rs571532949, ClinGen allele CA1668595.
Genomic context (GRCh38, chr2:55,687,705, plus strand): 5'-CTGTACTACAGCAGAGCCATCTGCAAATCTGGCCAGCTTTCCAGAAGATATTTCTAATTT[C>T]CTGTTTAAAAATAAAAATGCAATACAAGAAGACTTAGGTCATCTGTACAATTCCTGCTTA-3'
Protein context (NP_149100.2, residues 44-64): SRAVAVDLGN[Arg54=]KLEISSGKLA